The following is an entry in ClinVar:

ClinVar aggregate classification (germline): Uncertain significance (1 of 4 stars; one submission).

gnomAD v4.1: 12 of 1,613,714 alleles (0.00074%); highest among the groups gnomAD compares: South Asian, 0.0088%; no homozygotes.

Submission:

Women's Health and Genetics/Laboratory Corporation of America, LabCorp
Classification: Uncertain significance. Last evaluated: 2024-08-22. Review status: criteria provided, single submitter. Criteria: LabCorp Variant Classification Summary - May 2015. Collection method: clinical testing. Allele origin: germline.
Comment: Variant summary: LPL c.249+5G>A alters a conserved nucleotide located close to a canonical splice site and therefore could affect mRNA splicing, leading to a significantly altered protein sequence. Several computational tools predict a significant impact on normal splicing: Four predict the variant weakens a 5' donor site. However, these predictions have yet to be confirmed by functional studies. The variant allele was found at a frequency of 2e-05 in 251076 control chromosomes. The available data on variant occurrences in the general population are insufficient to allow any conclusion about variant significance. c.249+5G>A has been reported in the literature in individuals affected with Familial hypercholesterolemia (Pillai_2022). These data do not allow any conclusion about variant significance. To our knowledge, no experimental evidence demonstrating an impact on protein function has been reported. The following publication have been ascertained in the context of this evaluation (PMID: 34998859). No submitters have cited clinical-significance assessments for this variant to ClinVar. Based on the evidence outlined above, the variant was classified as uncertain significance.

Literature cited by the submitters: PubMed 34998859.

NM_000237.3(LPL):c.249+5G>A

Gene: LPL (lipoprotein lipase; plus strand). Cytogenetic location: 8p21.3.
Variant type: single nucleotide variant.
Coding change: c.249+5G>A on transcript NM_000237.3 (MANE Select); 5 bases into the intron after coding-DNA position 249, G replaced by A.
Molecular consequence: intron variant.
Genome position (GRCh38, 1-based): chr8:19,948,345, G>A. VCF-style: chr8-19948345-G-A. GRCh37 (hg19) VCF-style: chr8-19805856-G-A.
Identifiers: ClinVar variation 3366654 (VCV003366654.1).